The following is an entry in ClinVar:

ClinVar aggregate classification (germline): Uncertain significance (1 of 4 stars; one submission).

Conditions:
Inborn genetic diseases. Identifiers: MedGen C0950123, MeSH D030342.

Allele frequency attached by ClinVar (database versions not stated): ExAC 0.00007; TOPMed 0.00012; gnomAD 0.00015; gnomAD exomes 0.00001; ESP Exome Variant Server 0.00031.
gnomAD v4.1: 29 of 1,613,972 alleles (0.0018%); highest among the groups gnomAD compares: African/African-American, 0.039%; no homozygotes.

Submission:

Ambry Genetics
Classification: Uncertain significance for Inborn genetic diseases. Last evaluated: 2026-06-27. Review status: criteria provided, single submitter. Criteria: Ambry Variant Classification Scheme 2023. Collection method: clinical testing. Allele origin: germline.
Comment: The p.L522V variant (also known as c.1564C>G), located in coding exon 10 of the F5 gene, results from a C to G substitution at nucleotide position 1564. The leucine at codon 522 is replaced by valine, an amino acid with highly similar properties. This amino acid position is conserved. In addition, the in silico prediction for this alteration is inconclusive. Based on the available evidence, the clinical significance of this variant remains unclear.

NM_000130.5(F5):c.1564C>G (p.Leu522Val)

Gene: F5 (coagulation factor V; minus strand). Cytogenetic location: 1q24.2.
Variant type: single nucleotide variant.
Coding change: c.1564C>G on transcript NM_000130.5 (MANE Select); coding-DNA position 1564, C replaced by G.
Protein change: p.Leu522Val; replaces leucine 522 with valine.
Molecular consequence: missense variant.
Genome position (GRCh38, 1-based): chr1:169,549,848, G>C on the plus strand (C>G on the coding strand, the complement: F5 is on the minus strand). VCF-style: chr1-169549848-G-C. GRCh37 (hg19) VCF-style: chr1-169519086-G-C.
Other names: short protein forms L522V.
Identifiers: ClinVar variation 3091456 (VCV003091456.2), dbSNP rs143663052, ClinGen allele CA1234294.